The following is an entry in ClinVar:

ClinVar aggregate classification (germline): Uncertain significance. Review status: criteria provided, multiple submitters, no conflicts (2 of 4 stars). 2 submissions from 2 submitters: Uncertain significance (2). Last evaluated 2024-10-23.

Conditions:
Surfactant metabolism dysfunction, pulmonary, 2 (SMDP2). Also called: DESQUAMATIVE INTERSTITIAL PNEUMONITIS DUE TO SURFACTANT PROTEIN C DEFICIENCY; INTERSTITIAL LUNG DISEASE DUE TO SURFACTANT PROTEIN C DEFICIENCY; PULMONARY ALVEOLAR PROTEINOSIS, CONGENITAL, 2. Identifiers: Orphanet 440392, MedGen C1970470, MONDO:0024465, OMIM 610913.

Allele frequency attached by ClinVar (database versions not stated): TOPMed below 0.00001; gnomAD exomes 0.00001.
gnomAD v4.1: 5 of 1,614,198 alleles (0.00031%); highest among the groups gnomAD compares: Non-Finnish European, 0.00042%; no homozygotes.

Submissions (2):

GeneDx
Classification: Uncertain significance. Last evaluated: 2024-10-23. Review status: criteria provided, single submitter. Criteria: GeneDx Variant Classification Process June 2021. Collection method: clinical testing. Allele origin: germline. Affected: yes.
Comment: Has not been previously published as pathogenic or benign to our knowledge; Not observed at significant frequency in large population cohorts (gnomAD); In silico analysis supports that this missense variant has a deleterious effect on protein structure/function

Johns Hopkins Genomics, Johns Hopkins University
Classification: Uncertain significance for Surfactant metabolism dysfunction, pulmonary, 2. Last evaluated: 2023-05-24. Review status: criteria provided, single submitter. Criteria: ACMG Guidelines, 2015. Collection method: clinical testing. Allele origin: germline.
Comment: This SFTPC missense variant is absent from a large population dataset and has not been reported in ClinVar nor the literature, to our knowledge. A different variant at the same nucleotide position (c.134T>G;p.Leu45Arg) has been reported in individuals that had findings consistent with pulmonary surfactant metabolism dysfunction. Two bioinformatic tools queried predict that c.134T>C in SFTPC would be damaging, but these algorithms have low specificity, especially for predicting gain of function or dominant negative variants. The leucine residue at this position is evolutionarily conserved across most of the species assessed. We consider the clinical significance of c.134T>C;p.Leu45Pro in SFTPC to be uncertain at this time.

Literature cited by the submitters: PubMed 20118944 (cited by Johns Hopkins Genomics, Johns Hopkins University); PubMed 21828032 (cited by Johns Hopkins Genomics, Johns Hopkins University); PubMed 29569581 (cited by Johns Hopkins Genomics, Johns Hopkins University).

NM_001317778.2(SFTPC):c.134T>C (p.Leu45Pro)

Gene: SFTPC (surfactant protein C; plus strand). Cytogenetic location: 8p21.3.
Variant type: single nucleotide variant.
Coding change: c.134T>C on transcript NM_001317778.2 (MANE Select); coding-DNA position 134, T replaced by C.
Protein change: p.Leu45Pro; replaces leucine 45 with proline.
Molecular consequence: missense variant. On other transcripts: intron variant (2).
Genome position (GRCh38, 1-based): chr8:22,162,665, T>C. VCF-style: chr8-22162665-T-C. GRCh37 (hg19) VCF-style: chr8-22020178-T-C.
Other names: c.134T>C (NM_003018.3); c.134T>C, p.Leu45Pro (NM_001172357.2, NM_001172410.2, NM_001317780.2 and 8 more transcripts); c.43-415T>C (NM_001385660.1, NM_001317779.2); short protein forms L45P.
Identifiers: ClinVar variation 2575233 (VCV002575233.3), dbSNP rs948413532, ClinGen allele CA173482989.
Genomic context (GRCh38, chr8:22,162,665, plus strand): 5'-GCATTCCCTGCTGCCCAGTGCACCTGAAACGCCTTCTTATCGTGGTGGTGGTGGTGGTCC[T>C]CATCGTCGTGGTGATTGTGGGAGCCCTGCTCATGGGTCTCCACATGAGCCAGAAACACAC-3'
Protein context (NP_001304707.1, residues 35-55): RLLIVVVVVV[Leu45Pro]IVVVIVGALL